The following is an entry in ClinVar:

ClinVar aggregate classification (germline): Uncertain significance. Review status: criteria provided, multiple submitters, no conflicts (2 of 4 stars). 3 submissions from 3 submitters: Uncertain significance (3). Last evaluated 2025-09-23.

Conditions:
Inborn genetic diseases. Identifiers: MedGen C0950123, MeSH D030342.
Polycystic kidney disease 2 (PKD2). Also called: Polycystic Kidney Disease 2, Autosomal Dominant; POLYCYSTIC KIDNEY DISEASE, ADULT, TYPE II; POLYCYSTIC KIDNEY DISEASE 2 WITH OR WITHOUT POLYCYSTIC LIVER DISEASE. Identifiers: MedGen C2751306, MONDO:0013131, OMIM 613095.
Autosomal dominant polycystic kidney disease. Identifiers: Orphanet 730, MedGen C0085413, MONDO:0004691.

Allele frequency attached by ClinVar (database versions not stated): gnomAD 0.00001 and 0.00002; ExAC 0.00002; TOPMed 0.00002.
gnomAD v4.1: 37 of 1,600,654 alleles (0.0023%); highest among the groups gnomAD compares: Non-Finnish European, 0.0032%; no homozygotes.

Submissions (3):

Labcorp Genetics (formerly Invitae), Labcorp
Classification: Uncertain significance for Autosomal dominant polycystic kidney disease. Last evaluated: 2025-09-23. Review status: criteria provided, single submitter. Criteria: Invitae Variant Classification Sherloc (09022015). Collection method: clinical testing. Allele origin: germline.
Comment: This sequence change replaces valine, which is neutral and non-polar, with leucine, which is neutral and non-polar, at codon 968 of the PKD2 protein (p.Val968Leu). This variant is present in population databases (rs549787080, gnomAD 0.007%). This variant has not been reported in the literature in individuals affected with PKD2-related conditions. ClinVar contains an entry for this variant (Variation ID: 904029). An algorithm developed to predict the effect of missense changes on protein structure and function (PolyPhen-2) suggests that this variant is likely to be tolerated. In summary, the available evidence is currently insufficient to determine the role of this variant in disease. Therefore, it has been classified as a Variant of Uncertain Significance.

Ambry Genetics
Classification: Uncertain significance for Inborn genetic diseases. Last evaluated: 2025-03-27. Review status: criteria provided, single submitter. Criteria: Ambry Variant Classification Scheme 2023. Collection method: clinical testing. Allele origin: germline.

Illumina Laboratory Services, Illumina
Classification: Uncertain significance for Polycystic kidney disease 2. Last evaluated: 2018-01-12. Review status: criteria provided, single submitter. Criteria: ICSL Variant Classification Criteria 13 December 2019. Collection method: clinical testing. Allele origin: germline.

NM_000297.4(PKD2):c.2902G>C (p.Val968Leu)

Gene: PKD2 (polycystin 2, transient receptor potential cation channel; plus strand). Cytogenetic location: 4q22.1.
Variant type: single nucleotide variant.
Coding change: c.2902G>C on transcript NM_000297.4 (MANE Select); coding-DNA position 2902, G replaced by C.
Protein change: p.Val968Leu; replaces valine 968 with leucine.
Molecular consequence: missense variant. On other transcripts: non-coding transcript variant (1).
Genome position (GRCh38, 1-based): chr4:88,075,689, G>C. VCF-style: chr4-88075689-G-C. GRCh37 (hg19) VCF-style: chr4-88996841-G-C.
Other names: short protein forms V968L.
Identifiers: ClinVar variation 904029 (VCV000904029.6), dbSNP rs549787080, ClinGen allele CA3004390.